The following is an entry in ClinVar:

ClinVar aggregate classification (germline): Uncertain significance (1 of 4 stars; one submission).

Submission:

Women's Health and Genetics/Laboratory Corporation of America, LabCorp
Classification: Uncertain significance. Last evaluated: 2024-12-05. Review status: criteria provided, single submitter. Criteria: LabCorp Variant Classification Summary - May 2015. Collection method: clinical testing. Allele origin: germline.
Comment: Variant summary: TGM1 c.1738G>A (p.Ala580Thr) results in a non-conservative amino acid change located in the C-terminal domain (IPR008958) of the encoded protein sequence. Four of five in-silico tools predict a benign effect of the variant on protein function. The variant was absent in 251378 control chromosomes (gnomAD). The available data on variant occurrences in the general population are insufficient to allow any conclusion about variant significance. c.1738G>A has been reported in the literature in at least one individual affected with ichthyosis (Sun_2022). These data do not allow any conclusion about variant significance. To our knowledge, no experimental evidence demonstrating an impact on protein function has been reported. No submitters have cited clinical-significance assessments for this variant to ClinVar. Based on the evidence outlined above, the variant was classified as uncertain significance.

Literature cited by the submitters: PubMed 34851365.

NM_000359.3(TGM1):c.1738G>A (p.Ala580Thr)

Gene: TGM1 (transglutaminase 1; minus strand). Cytogenetic location: 14q12.
Variant type: single nucleotide variant.
Coding change: c.1738G>A on transcript NM_000359.3 (MANE Select); coding-DNA position 1738, G replaced by A.
Protein change: p.Ala580Thr; replaces alanine 580 with threonine.
Molecular consequence: missense variant.
Genome position (GRCh38, 1-based): chr14:24,255,161, C>T on the plus strand (G>A on the coding strand, the complement: TGM1 is on the minus strand). VCF-style: chr14-24255161-C-T. GRCh37 (hg19) VCF-style: chr14-24724367-C-T.
Other names: short protein forms A580T.
Identifiers: ClinVar variation 3768235 (VCV003768235.1).
Genomic context (GRCh38, chr14:24,255,161, plus strand): 5'-GCATCACAGAGACCATCAGATCCTGCCCCATCACCGCGTCCTGTGCCTCCACCTGCATGG[C>T]CACATCCTCCGCTGAGCCCCGGTTGGCATACACATTGGGTTTGCTGCCGTGGGCTGCTGC-3'
Protein context (NP_000350.1, residues 570-590): YANRGSAEDV[Ala580Thr]MQVEAQDAVM